The following is an entry in ClinVar:

ClinVar aggregate classification (germline): Benign. Review status: criteria provided, multiple submitters, no conflicts (2 of 4 stars). 15 submissions from 13 submitters: Benign (12). 3 of the submissions do not count toward it. Last evaluated 2026-02-04.

Conditions:
Brain small vessel disease 1 with or without ocular anomalies (BSVD1). Also called: Brain small vessel disease with or without ocular anomalies; PORENCEPHALY, TYPE 1, AUTOSOMAL DOMINANT; GOULD SYNDROME 1; BRAIN SMALL VESSEL DISEASE WITH HEMORRHAGE. Identifiers: Orphanet 2940, Orphanet 36383, Orphanet 99810, MedGen C4755307, MONDO:0008289, OMIM 175780.
Autosomal dominant familial hematuria-retinal arteriolar tortuosity-contractures syndrome. Also called: Hereditary Angiopathy with Nephropathy, Aneurysms, and Muscle Cramps (HANAC) Syndrome; Angiopathy, hereditary, with nephropathy, aneurysms, and muscle cramps. Identifiers: Orphanet 73229, MedGen C2673195, MONDO:0012726, OMIM 611773.

Allele frequency attached by ClinVar (database versions not stated): 1000 Genomes Project 0.28834; TOPMed 0.30468; ESP Exome Variant Server 0.32124; 1000 Genomes Project 30x 0.28482.
gnomAD v4.1: 526,631 of 1,606,430 alleles (33%); highest among the groups gnomAD compares: Middle Eastern, 40%; 88,279 homozygotes.

Submissions (15):

Labcorp Genetics (formerly Invitae), Labcorp
Classification: Benign. Last evaluated: 2026-02-04. Review status: criteria provided, single submitter. Criteria: Invitae Variant Classification Sherloc (09022015). Collection method: clinical testing. Allele origin: germline.

Blueprint Genetics
Classification: Benign. Last evaluated: 2024-11-27. Review status: criteria provided, single submitter. Criteria: ACMG Guidelines, 2015. Collection method: clinical testing. Allele origin: germline.

Mayo Clinic Laboratories, Mayo Clinic
Classification: Benign. Last evaluated: 2023-01-11. Review status: criteria provided, single submitter. Criteria: ACMG Guidelines, 2015. Collection method: clinical testing. Allele origin: germline. Observed: 648 variant alleles.
Comment: BA1

Genome-Nilou Lab
Classification: Benign for Autosomal dominant familial hematuria-retinal arteriolar tortuosity-contractures syndrome. Last evaluated: 2021-07-22. Review status: criteria provided, single submitter. Criteria: ACMG Guidelines, 2015. Collection method: clinical testing. Allele origin: germline. Affected: no.

Genome-Nilou Lab
Classification: Benign for Brain small vessel disease 1 with or without ocular anomalies. Last evaluated: 2021-07-22. Review status: criteria provided, single submitter. Criteria: ACMG Guidelines, 2015. Collection method: clinical testing. Allele origin: germline. Affected: no.

Illumina Laboratory Services, Illumina
Classification: Benign for Autosomal dominant familial hematuria-retinal arteriolar tortuosity-contractures syndrome. Last evaluated: 2018-03-06. Review status: criteria provided, single submitter. Criteria: ICSL Variant Classification Criteria 13 December 2019. Collection method: clinical testing. Allele origin: germline.
Comment: This variant was observed in the ICSL laboratory as part of a predisposition screen in an ostensibly healthy population. It had not been previously curated by ICSL or reported in the Human Gene Mutation Database (HGMD: prior to June 1st, 2018), and was therefore a candidate for classification through an automated scoring system. Utilizing variant allele frequency, disease prevalence and penetrance estimates, and inheritance mode, an automated score was calculated to assess if this variant is too frequent to cause the disease. Based on the score and internal cut-off values, a variant classified as benign is not then subjected to further curation. The score for this variant resulted in a classification of benign for this disease.

Illumina Laboratory Services, Illumina
Classification: Benign for Brain small vessel disease 1 with or without ocular anomalies. Last evaluated: 2018-03-06. Review status: criteria provided, single submitter. Criteria: ICSL Variant Classification Criteria 13 December 2019. Collection method: clinical testing. Allele origin: germline.
Comment: the same text as in the submission from Illumina Laboratory Services, Illumina above.

GeneDx
Classification: Benign. Last evaluated: 2018-01-15. Review status: criteria provided, single submitter. Criteria: GeneDx Variant Classification (06012015). Collection method: clinical testing. Allele origin: germline. Affected: yes.
Comment: This variant is considered likely benign or benign based on one or more of the following criteria: it is a conservative change, it occurs at a poorly conserved position in the protein, it is predicted to be benign by multiple in silico algorithms, and/or has population frequency not consistent with disease.

Athena Diagnostics
Classification: Benign for Brain small vessel disease 1 with or without ocular anomalies. Last evaluated: 2017-06-01. Review status: criteria provided, single submitter. Criteria: Athena Diagnostics Criteria. Collection method: clinical testing. Allele origin: germline.

Eurofins Ntd Llc (ga)
Classification: Benign. Last evaluated: 2014-07-15. Review status: criteria provided, single submitter. Criteria: EGL Classification Definitions 2015. Collection method: clinical testing. Allele origin: germline. Observed: 2 variant alleles, 2 heterozygotes.

Breakthrough Genomics
Classification: Benign. Review status: criteria provided, single submitter. Criteria: ACMG Guidelines, 2015. Collection method: not provided. Allele origin: germline. Inheritance: Autosomal dominant inheritance. Affected: yes.

PreventionGenetics, part of Exact Sciences
Classification: Benign. Review status: criteria provided, single submitter. Criteria: ACMG Guidelines, 2015. Collection method: clinical testing. Allele origin: germline.

Clinical Genetics DNA and cytogenetics Diagnostics Lab, Erasmus MC, Erasmus Medical Center
Classification: Benign. Review status: no assertion criteria provided. Collection method: clinical testing. Allele origin: germline. Affected: yes. Study: VKGL Data-share Consensus. Not counted in ClinVar's aggregate classification.

Diagnostic Laboratory, Department of Genetics, University Medical Center Groningen
Classification: Benign. Review status: no assertion criteria provided. Collection method: clinical testing. Allele origin: germline. Affected: yes. Study: VKGL Data-share Consensus. Not counted in ClinVar's aggregate classification.

Joint Genome Diagnostic Labs from Nijmegen and Maastricht, Radboudumc and MUMC+
Classification: Benign. Review status: no assertion criteria provided. Collection method: clinical testing. Allele origin: germline. Affected: yes. Study: VKGL Data-share Consensus. Not counted in ClinVar's aggregate classification.

NM_001845.6(COL4A1):c.4002A>C (p.Gln1334His)

Gene: COL4A1 (collagen type IV alpha 1 chain; minus strand). Cytogenetic location: 13q34.
Variant type: single nucleotide variant.
Coding change: c.4002A>C on transcript NM_001845.6 (MANE Select); coding-DNA position 4002, A replaced by C.
Protein change: p.Gln1334His; replaces glutamine 1334 with histidine.
Molecular consequence: missense variant.
Genome position (GRCh38, 1-based): chr13:110,166,251, T>G on the plus strand (A>C on the coding strand, the complement: COL4A1 is on the minus strand). VCF-style: chr13-110166251-T-G. GRCh37 (hg19) VCF-style: chr13-110818598-T-G.
Other names: short protein forms Q1334H.
Identifiers: ClinVar variation 197520 (VCV000197520.31), dbSNP rs3742207, ClinGen allele CA202933.
Genomic context (GRCh38, chr13:110,166,251, plus strand): 5'-AAGCACCAGTAAGGTGTCCACAGATCAACAAACTCTCCTACCTTTAGCTCCCGGGACGCC[T>G]TGATCGCCTTGATCACCTTTAATTCCCTGGAGGCCAGGAAGACCTTTTGGACCTAAAAGC-3'
Protein context (NP_001836.3, residues 1324-1344): LQGIKGDQGD[Gln1334His]GVPGAKGLPG